The following is an entry in ClinVar:

NM_001204.7(BMPR2):c.2324G>A (p.Ser775Asn)

Gene: BMPR2 (bone morphogenetic protein receptor type 2; plus strand). Cytogenetic location: 2q33.2.
Variant type: single nucleotide variant.
Coding change: c.2324G>A on transcript NM_001204.7 (MANE Select); coding-DNA position 2324, G replaced by A.
Protein change: p.Ser775Asn; replaces serine 775 with asparagine.
Molecular consequence: missense variant.
Genome position (GRCh38, 1-based): chr2:202,555,989, G>A. VCF-style: chr2-202555989-G-A. GRCh37 (hg19) VCF-style: chr2-203420712-G-A.
Other names: p.S775N:AGC>AAC; short protein forms S775N.
Identifiers: ClinVar variation 136528 (VCV000136528.37), dbSNP rs2228545, ClinGen allele CA295462.

ClinVar aggregate classification (germline): Benign. Review status: criteria provided, multiple submitters, no conflicts (2 of 4 stars). 12 submissions from 12 submitters: Benign (10). 2 of the submissions do not count toward it. Last evaluated 2026-02-04.

Conditions:
Primary pulmonary hypertension. Also called: Idiopathic pulmonary hypertension. Identifiers: MedGen C0152171.
Pulmonary hypertension, primary, 1 (PPH1). Also called: Pulmonary hypertension, familial primary, 1, with or without HHT. Identifiers: Orphanet 422, MedGen C4552070, MONDO:0024533, OMIM 178600.

Allele frequency attached by ClinVar (database versions not stated): 1000 Genomes Project 30x 0.00968; 1000 Genomes Project 0.00998; gnomAD 0.02229 and 0.02286; TOPMed 0.02229; gnomAD exomes 0.02444 and 0.03059; ExAC 0.02516; ESP Exome Variant Server 0.02568.
gnomAD v4.1: 47,940 of 1,614,166 alleles (3%); highest among the groups gnomAD compares: Non-Finnish European, 3.5%; 849 homozygotes.

Submissions (12):

Labcorp Genetics (formerly Invitae), Labcorp
Classification: Benign for Primary pulmonary hypertension. Last evaluated: 2026-02-04. Review status: criteria provided, single submitter. Criteria: Invitae Variant Classification Sherloc (09022015). Collection method: clinical testing. Allele origin: germline.

ARUP Laboratories, Molecular Genetics and Genomics, ARUP Laboratories
Classification: Benign. Last evaluated: 2025-07-17. Review status: criteria provided, single submitter. Criteria: ARUP Molecular Germline Variant Investigation Process 2024. Collection method: clinical testing. Allele origin: germline.

Blueprint Genetics
Classification: Benign. Last evaluated: 2024-11-26. Review status: criteria provided, single submitter. Criteria: ACMG Guidelines, 2015. Collection method: clinical testing. Allele origin: germline.

Mayo Clinic Laboratories, Mayo Clinic
Classification: Benign. Last evaluated: 2023-02-28. Review status: criteria provided, single submitter. Criteria: ACMG Guidelines, 2015. Collection method: clinical testing. Allele origin: germline. Observed: 28 variant alleles.
Comment: BA1

Illumina Laboratory Services, Illumina
Classification: Benign for Pulmonary hypertension, primary, 1. Last evaluated: 2018-03-06. Review status: criteria provided, single submitter. Criteria: ICSL Variant Classification Criteria 13 December 2019. Collection method: clinical testing. Allele origin: germline.
Comment: This variant was observed in the ICSL laboratory as part of a predisposition screen in an ostensibly healthy population. It had not been previously curated by ICSL or reported in the Human Gene Mutation Database (HGMD: prior to June 1st, 2018), and was therefore a candidate for classification through an automated scoring system. Utilizing variant allele frequency, disease prevalence and penetrance estimates, and inheritance mode, an automated score was calculated to assess if this variant is too frequent to cause the disease. Based on the score and internal cut-off values, a variant classified as benign is not then subjected to further curation. The score for this variant resulted in a classification of benign for this disease.

Genomic Diagnostic Laboratory, Division of Genomic Diagnostics, Children's Hospital of Philadelphia
Classification: Benign. Last evaluated: 2015-09-03. Review status: criteria provided, single submitter. Criteria: DGD Variant Analysis Guidelines. Collection method: clinical testing. Allele origin: unknown.

Laboratory for Molecular Medicine, Mass General Brigham Personalized Medicine
Classification: Benign. Last evaluated: 2014-10-02. Review status: criteria provided, single submitter. Criteria: LMM Criteria. Collection method: clinical testing. Allele origin: germline. Observed: 8 variant alleles.
Comment: p.Ser775Asn in exon 12 of BMPR2: This variant is not expected to have clinical s ignificance because it has been identified in 3.5% (301/8600) of European Americ an chromosomes by the NHLBI Exome Sequencing Project (du/EVS/; dbSNP rs2228545). In addition, serine (Ser) is not conserved in mammals or evolutionarily distant species and the change to asparagine (Asn) is present in 5 mammals.

GeneDx
Classification: Benign. Last evaluated: 2014-03-27. Review status: criteria provided, single submitter. Criteria: GeneDx Variant Classification (06012015). Collection method: clinical testing. Allele origin: germline. Affected: yes.
Comment: This variant is considered likely benign or benign based on one or more of the following criteria: it is a conservative change, it occurs at a poorly conserved position in the protein, it is predicted to be benign by multiple in silico algorithms, and/or has population frequency not consistent with disease.

Breakthrough Genomics
Classification: Benign. Review status: criteria provided, single submitter. Criteria: ACMG Guidelines, 2015. Collection method: not provided. Allele origin: germline. Inheritance: Autosomal dominant inheritance. Affected: yes.

PreventionGenetics, part of Exact Sciences
Classification: Benign. Review status: criteria provided, single submitter. Criteria: ACMG Guidelines, 2015. Collection method: clinical testing. Allele origin: germline.

Clinical Genetics, Academic Medical Center
Classification: Benign. Review status: no assertion criteria provided. Collection method: clinical testing. Allele origin: germline. Affected: yes. Study: VKGL Data-share Consensus. Not counted in ClinVar's aggregate classification.

Laboratory of Diagnostic Genome Analysis, Leiden University Medical Center (LUMC)
Classification: Likely benign. Review status: no assertion criteria provided. Collection method: clinical testing. Allele origin: germline. Affected: yes. Study: VKGL Data-share Consensus. Not counted in ClinVar's aggregate classification.

Literature cited by the submitters: PubMed 20096498 (cited by Laboratory for Molecular Medicine, Mass General Brigham Personalized Medicine); PubMed 21070126 (cited by Laboratory for Molecular Medicine, Mass General Brigham Personalized Medicine); PubMed 22995991 (cited by Laboratory for Molecular Medicine, Mass General Brigham Personalized Medicine); PubMed 21228398 (cited by Laboratory for Molecular Medicine, Mass General Brigham Personalized Medicine); PubMed 19844076 (cited by Laboratory for Molecular Medicine, Mass General Brigham Personalized Medicine); PubMed 24936649 (cited by Laboratory for Molecular Medicine, Mass General Brigham Personalized Medicine); PubMed 16429395 (cited by Laboratory for Molecular Medicine, Mass General Brigham Personalized Medicine); PubMed 18503968 (cited by Laboratory for Molecular Medicine, Mass General Brigham Personalized Medicine); PubMed 16717148 (cited by Laboratory for Molecular Medicine, Mass General Brigham Personalized Medicine).